The following is an entry in ClinVar:

NM_144997.7(FLCN):c.1606C>A (p.Leu536Met)

Gene: FLCN (folliculin; minus strand). Cytogenetic location: 17p11.2.
Variant type: single nucleotide variant.
Coding change: c.1606C>A on transcript NM_144997.7 (MANE Select); coding-DNA position 1606, C replaced by A.
Protein change: p.Leu536Met; replaces leucine 536 with methionine.
Molecular consequence: missense variant.
Genome position (GRCh38, 1-based): chr17:17,213,789, G>T on the plus strand (C>A on the coding strand, the complement: FLCN is on the minus strand). VCF-style: chr17-17213789-G-T. GRCh37 (hg19) VCF-style: chr17-17117103-G-T.
Other names: c.1660C>A, p.Leu554Met (NM_001353229.2); c.1606C>A, p.Leu536Met (NM_001353230.2, NM_001353231.2); short protein forms L554M, L536M.
Identifiers: ClinVar variation 1776286 (VCV001776286.8), dbSNP rs2144810689, ClinGen allele CA398530391.

ClinVar aggregate classification (germline): Uncertain significance. Review status: criteria provided, multiple submitters, no conflicts (2 of 4 stars). 2 submissions from 2 submitters: Uncertain significance (2). Last evaluated 2025-06-06.

Conditions:
Birt-Hogg-Dube syndrome. Also called: Birt Hogg Dubé syndrome. Identifiers: Orphanet 122, MedGen C0346010, MONDO:0800444.
Hereditary cancer-predisposing syndrome. Also called: Tumor predisposition; Neoplastic Syndromes, Hereditary; Hereditary Cancer Syndrome; Hereditary neoplastic syndrome. Identifiers: Orphanet 140162, MedGen C0027672, MeSH D009386, MONDO:0015356.

Submissions (2):

Ambry Genetics
Classification: Uncertain significance for Hereditary cancer-predisposing syndrome. Last evaluated: 2025-06-06. Review status: criteria provided, single submitter. Criteria: Ambry Variant Classification Scheme 2023. Collection method: clinical testing. Allele origin: germline.
Comment: The p.L536M variant (also known as c.1606C>A), located in coding exon 11 of the FLCN gene, results from a C to A substitution at nucleotide position 1606. The leucine at codon 536 is replaced by methionine, an amino acid with highly similar properties. This amino acid position is highly conserved in available vertebrate species. In addition, the in silico prediction for this alteration is inconclusive. Since supporting evidence is limited at this time, the clinical significance of this alteration remains unclear.

Labcorp Genetics (formerly Invitae), Labcorp
Classification: Uncertain significance for Birt-Hogg-Dube syndrome. Last evaluated: 2022-06-04. Review status: criteria provided, single submitter. Criteria: Invitae Variant Classification Sherloc (09022015). Collection method: clinical testing. Allele origin: germline.
Comment: This sequence change replaces leucine, which is neutral and non-polar, with methionine, which is neutral and non-polar, at codon 536 of the FLCN protein (p.Leu536Met). This variant is not present in population databases (gnomAD no frequency). This variant has not been reported in the literature in individuals affected with FLCN-related conditions. Algorithms developed to predict the effect of missense changes on protein structure and function are either unavailable or do not agree on the potential impact of this missense change (SIFT: "Tolerated"; PolyPhen-2: "Probably Damaging"; Align-GVGD: "Class C0"). In summary, the available evidence is currently insufficient to determine the role of this variant in disease. Therefore, it has been classified as a Variant of Uncertain Significance.